The following is an entry in ClinVar:

NM_144670.6(A2ML1):c.3677C>A (p.Ala1226Asp)

Gene: A2ML1 (alpha-2-macroglobulin like 1; plus strand). Cytogenetic location: 12p13.31.
Variant type: single nucleotide variant.
Coding change: c.3677C>A on transcript NM_144670.6 (MANE Select); coding-DNA position 3677, C replaced by A.
Protein change: p.Ala1226Asp; replaces alanine 1226 with aspartic acid.
Molecular consequence: missense variant.
Genome position (GRCh38, 1-based): chr12:8,863,968, C>A. VCF-style: chr12-8863968-C-A. GRCh37 (hg19) VCF-style: chr12-9016564-C-A.
Other names: c.2204C>A, p.Ala735Asp (NM_001282424.3); short protein forms A1226D, A735D.
Identifiers: ClinVar variation 1427823 (VCV001427823.9), dbSNP rs958481200, ClinGen allele CA232702091.
Genomic context (GRCh38, chr12:8,863,968, plus strand): 5'-CCAAGCCCAGCCTGACTCAAAAGGAGATAGCGAAGGCCACTAGCATAGTGGCTTGGTTGG[C>A]CAAGCAACACAATGCATATGGGGGCTTCTCTTCTACTCAGGTAAACAGCCTGTTCTCCCA-3'
Protein context (NP_653271.3, residues 1216-1236): AKATSIVAWL[Ala1226Asp]KQHNAYGGFS

ClinVar aggregate classification (germline): Uncertain significance. Review status: criteria provided, multiple submitters, no conflicts (2 of 4 stars). 2 submissions from 2 submitters: Uncertain significance (2). Last evaluated 2025-12-02.

Allele frequency attached by ClinVar (database versions not stated): gnomAD exomes below 0.00001 and 0.00001.
gnomAD v4.1: 5 of 1,463,996 alleles (0.00034%); highest among the groups gnomAD compares: Admixed American, 0.0053%; no homozygotes.

Submissions (2):

Ambry Genetics
Classification: Uncertain significance. Last evaluated: 2025-12-02. Review status: criteria provided, single submitter. Criteria: Ambry Variant Classification Scheme 2023. Collection method: clinical testing. Allele origin: germline.
Comment: The p.A1226D variant (also known as c.3677C>A), located in coding exon 29 of the A2ML1 gene, results from a C to A substitution at nucleotide position 3677. The alanine at codon 1226 is replaced by aspartic acid, an amino acid with dissimilar properties. This amino acid position is conserved. In addition, this alteration is predicted to be tolerated by in silico analysis. Since supporting evidence is limited at this time, the clinical significance of this alteration remains unclear.

Labcorp Genetics (formerly Invitae), Labcorp
Classification: Uncertain significance. Last evaluated: 2022-07-12. Review status: criteria provided, single submitter. Criteria: Invitae Variant Classification Sherloc (09022015). Collection method: clinical testing. Allele origin: germline.
Comment: ClinVar contains an entry for this variant (Variation ID: 1427823). Algorithms developed to predict the effect of missense changes on protein structure and function are either unavailable or do not agree on the potential impact of this missense change (SIFT: "Tolerated"; PolyPhen-2: "Possibly Damaging"; Align-GVGD: "Class C0"). In summary, the available evidence is currently insufficient to determine the role of this variant in disease. Therefore, it has been classified as a Variant of Uncertain Significance. This variant has not been reported in the literature in individuals affected with A2ML1-related conditions. This sequence change replaces alanine, which is neutral and non-polar, with aspartic acid, which is acidic and polar, at codon 1226 of the A2ML1 protein (p.Ala1226Asp). This variant is present in population databases (no rsID available, gnomAD 0.006%).